The following is an entry in ClinVar:

NM_002528.7(NTHL1):c.707G>T (p.Arg236Ile)

Gene: NTHL1 (nth like DNA glycosylase 1; minus strand). Cytogenetic location: 16p13.3.
Variant type: single nucleotide variant.
Coding change: c.707G>T on transcript NM_002528.7 (MANE Select); coding-DNA position 707, G replaced by T.
Protein change: p.Arg236Ile; replaces arginine 236 with isoleucine.
Molecular consequence: missense variant.
Genome position (GRCh38, 1-based): chr16:2,040,217, C>A on the plus strand (G>T on the coding strand, the complement: NTHL1 is on the minus strand). VCF-style: chr16-2040217-C-A. GRCh37 (hg19) VCF-style: chr16-2090218-C-A.
Other names: c.536G>T, p.Arg179Ile (NM_001318193.2); c.377G>T, p.Arg126Ile (NM_001318194.2); short protein forms R179I, R126I, R236I.
Identifiers: ClinVar variation 2881608 (VCV002881608.3), dbSNP rs2548312039, ClinGen allele CA394289265.

ClinVar aggregate classification (germline): Uncertain significance (1 of 4 stars; one submission).

Submission:

Labcorp Genetics (formerly Invitae), Labcorp
Classification: Uncertain significance. Last evaluated: 2025-07-01. Review status: criteria provided, single submitter. Criteria: Invitae Variant Classification Sherloc (09022015). Collection method: clinical testing. Allele origin: germline.
Comment: This sequence change replaces arginine, which is basic and polar, with isoleucine, which is neutral and non-polar, at codon 244 of the NTHL1 protein (p.Arg244Ile). This variant is not present in population databases (gnomAD no frequency). This variant has not been reported in the literature in individuals affected with NTHL1-related conditions. ClinVar contains an entry for this variant (Variation ID: 2881608). An algorithm developed to predict the effect of missense changes on protein structure and function (PolyPhen-2) suggests that this variant is likely to be disruptive. RNA analysis performed to evaluate the impact of this missense change on mRNA splicing indicates it does not significantly alter splicing (internal data). In summary, the available evidence is currently insufficient to determine the role of this variant in disease. Therefore, it has been classified as a Variant of Uncertain Significance.